The following is an entry in ClinVar:

ClinVar aggregate classification (germline): Likely pathogenic (1 of 4 stars; one submission).

Conditions:
Developmental and epileptic encephalopathy 94 (DEE94). Also called: Epileptic encephalopathy, childhood-onset; CHD2-Related Neurodevelopmental Disorders. Identifiers: Orphanet 1942, Orphanet 2382, MedGen C3809278, MONDO:0014150, OMIM 615369.

Submission:

Labcorp Genetics (formerly Invitae), Labcorp
Classification: Likely pathogenic for Developmental and epileptic encephalopathy 94. Last evaluated: 2022-07-11. Review status: criteria provided, single submitter. Criteria: Invitae Variant Classification Sherloc (09022015). Collection method: clinical testing. Allele origin: germline.
Comment: This sequence change affects an acceptor splice site in intron 17 of the CHD2 gene. It is expected to disrupt RNA splicing. Variants that disrupt the donor or acceptor splice site typically lead to a loss of protein function (PMID: 16199547), and loss-of-function variants in CHD2 are known to be pathogenic (PMID: 23708187, 24207121). In summary, the currently available evidence indicates that the variant is pathogenic, but additional data are needed to prove that conclusively. Therefore, this variant has been classified as Likely Pathogenic. Algorithms developed to predict the effect of sequence changes on RNA splicing suggest that this variant may disrupt the consensus splice site. ClinVar contains an entry for this variant (Variation ID: 974562). This variant has not been reported in the literature in individuals affected with CHD2-related conditions. This variant is not present in population databases (gnomAD no frequency).

Literature cited by the submitters: PubMed 16199547; PubMed 23708187; PubMed 24207121.

NM_001271.4(CHD2):c.2190-1G>C

Gene: CHD2 (chromodomain helicase DNA binding protein 2; plus strand). Cytogenetic location: 15q26.1.
Variant type: single nucleotide variant.
Coding change: c.2190-1G>C on transcript NM_001271.4 (MANE Select); the canonical splice acceptor site of the intron before coding-DNA position 2190, G replaced by C.
Molecular consequence: splice acceptor variant.
Genome position (GRCh38, 1-based): chr15:92,971,764, G>C. VCF-style: chr15-92971764-G-C. GRCh37 (hg19) VCF-style: chr15-93514994-G-C.
Identifiers: ClinVar variation 974562 (VCV000974562.9), dbSNP rs2053845402, ClinGen allele CA393892718.
Genomic context (GRCh38, chr15:92,971,764, plus strand): 5'-TGGTACCTACAACTTTCTGTTTTTTTGTATCTAGTAGTATCATTATCATTTTAATTTGCA[G>C]GTGGATTCTGACCAGGAATTACAAGGCTCTTGCCAAAGGAACAAGAGGCAGCACATCTGG-3'